The following is an entry in ClinVar:

NM_020919.4(ALS2):c.4261C>T (p.Arg1421Ter)

Gene: ALS2 (alsin Rho guanine nucleotide exchange factor ALS2; minus strand). Cytogenetic location: 2q33.1.
Variant type: single nucleotide variant.
Coding change: c.4261C>T on transcript NM_020919.4 (MANE Select); coding-DNA position 4261, C replaced by T.
Protein change: p.Arg1421Ter; replaces arginine 1421 with a stop codon.
Molecular consequence: nonsense.
Genome position (GRCh38, 1-based): chr2:201,709,900, G>A on the plus strand (C>T on the coding strand, the complement: ALS2 is on the minus strand). VCF-style: chr2-201709900-G-A. GRCh37 (hg19) VCF-style: chr2-202574623-G-A.
Other names: short protein forms R1421*.
Identifiers: ClinVar variation 242457 (VCV000242457.5), dbSNP rs863225293, ClinGen allele CA056518.

ClinVar aggregate classification (germline): Pathogenic/Likely pathogenic. Review status: criteria provided, multiple submitters, no conflicts (2 of 4 stars). 4 submissions from 4 submitters: Pathogenic (2); Likely pathogenic (2). Last evaluated 2026-09-20.

Conditions:
Infantile-onset ascending hereditary spastic paralysis (IAHSP). Also called: Autosomal Recessive Juvenile Amyotrophic Lateral Sclerosis; Infantile-Onset Ascending Hereditary Spastic Paralysis (IAHSP). Identifiers: Orphanet 293168, MedGen C2931441, MONDO:0011797, OMIM 607225. Disease mechanism: loss of function.
Amyotrophic lateral sclerosis type 2, juvenile. Also called: Amyotrophic lateral sclerosis type 2; ALS, JUVENILE. Identifiers: Orphanet 300605, MedGen C1859807, MONDO:0008780, OMIM 205100.
Juvenile primary lateral sclerosis (PLSJ). Also called: Juvenile Primary Lateral Sclerosis (JPLS). Identifiers: Orphanet 247604, MedGen C1853396, MONDO:0011663, OMIM 606353.

Allele frequency attached by ClinVar (database versions not stated): gnomAD exomes below 0.00001; TOPMed 0.00001.
gnomAD v4.1: 6 of 1,613,912 alleles (0.00037%); highest among the groups gnomAD compares: South Asian, 0.0011%; no homozygotes.

Submissions (4):

Human Genetics, Hazara University Mansehra
Classification: Pathogenic for Infantile-onset ascending hereditary spastic paralysis. Last evaluated: 2026-09-20. Review status: criteria provided, single submitter. Criteria: ACMG Guidelines, 2015. Collection method: research. Allele origin: germline. Inheritance: Autosomal recessive inheritance. Affected: yes and no. Observed: 5 variant alleles, 3 heterozygotes, 2 homozygotes. Clinical features observed: Spasticity (HP:0001257), Spastic tetraparesis (HP:0001285), Muscular atrophy (HP:0003202).
Comment: PVS1_very strong, PM2_moderate, PM3_moderate, PP1_supporting, PP4_supporting, and PP5_supporting

3billion
Classification: Pathogenic for Amyotrophic lateral sclerosis type 2, juvenile. Last evaluated: 2025-08-06. Review status: criteria provided, single submitter. Criteria: ACMG Guidelines, 2015. Collection method: clinical testing. Allele origin: germline. Affected: yes.
Comment: The variant is observed at an extremely low frequency in the gnomAD v4.1.0 dataset (total allele frequency: <0.001%). Predicted Consequence/Location: Stop-gained (nonsense): predicted to result in a loss or disruption of normal protein function through nonsense-mediated decay (NMD) or protein truncation. Multiple pathogenic variants are reported downstream of the variant. The variant has been reported at least twice as pathogenic without evidence for the classification (ClinVar ID: VCV000242457 /PMID: 33408239). Therefore, this variant is classified as Pathogenic according to the recommendation of ACMG/AMP guideline.

Fulgent Genetics
Classification: Likely pathogenic for Amyotrophic lateral sclerosis type 2, juvenile; Juvenile primary lateral sclerosis; Infantile-onset ascending hereditary spastic paralysis. Last evaluated: 2021-08-30. Review status: criteria provided, single submitter. Criteria: ACMG Guidelines, 2015. Collection method: clinical testing. Allele origin: unknown.

Mendelics
Classification: Likely pathogenic for Infantile-onset ascending hereditary spastic paralysis. Last evaluated: 2019-05-28. Review status: criteria provided, single submitter. Criteria: Mendelics Assertion Criteria 2017. Collection method: clinical testing. Allele origin: unknown.

Literature cited by the submitters: PubMed 33408239 (cited by Human Genetics, Hazara University Mansehra and 3billion).